The following is an entry in ClinVar:

NM_144991.3(TSPEAR):c.1335A>G (p.Glu445=)

Gene: TSPEAR (thrombospondin type laminin G domain and EAR repeats; minus strand). Cytogenetic location: 21q22.3.
Variant type: single nucleotide variant.
Coding change: c.1335A>G on transcript NM_144991.3 (MANE Select); coding-DNA position 1335, A replaced by G.
Protein change: p.Glu445=; no amino-acid change (glutamic acid 445 retained).
Molecular consequence: synonymous variant.
Genome position (GRCh38, 1-based): chr21:44,525,654, T>C on the plus strand (A>G on the coding strand, the complement: TSPEAR is on the minus strand). VCF-style: chr21-44525654-T-C. GRCh37 (hg19) VCF-style: chr21-45945537-T-C.
Other names: c.1131A>G, p.Glu377= (NM_001272037.2).
Identifiers: ClinVar variation 229372 (VCV000229372.11), dbSNP rs200789378, ClinGen allele CA10056637.

ClinVar aggregate classification (germline): Uncertain significance. Review status: criteria provided, multiple submitters, no conflicts (2 of 4 stars). 3 submissions from 3 submitters: Uncertain significance (3). Last evaluated 2026-06-18.

Allele frequency attached by ClinVar (database versions not stated): 1000 Genomes Project 30x 0.00047; gnomAD 0.00029; gnomAD exomes 0.00011 and 0.00017; TOPMed 0.00058; ExAC 0.00016; 1000 Genomes Project 0.00060.
gnomAD v4.1: 213 of 1,614,044 alleles (0.013%); highest among the groups gnomAD compares: Middle Eastern, 0.15%; 2 homozygotes.

Submissions (3):

GeneDx
Classification: Uncertain significance. Last evaluated: 2026-06-18. Review status: criteria provided, single submitter. Criteria: GeneDx Variant Classification Process June 2021. Collection method: clinical testing. Allele origin: germline.
Comment: Has not been previously published as pathogenic or benign to our knowledge; In silico analysis is inconclusive as to whether the variant alters gene splicing. In the absence of RNA/functional studies, the actual effect of this sequence change is unknown.

Labcorp Genetics (formerly Invitae), Labcorp
Classification: Uncertain significance. Last evaluated: 2025-06-23. Review status: criteria provided, single submitter. Criteria: Invitae Variant Classification Sherloc (09022015). Collection method: clinical testing. Allele origin: germline.
Comment: This sequence change affects codon 445 of the TSPEAR mRNA. It is a 'silent' change, meaning that it does not change the encoded amino acid sequence of the TSPEAR protein. It affects a nucleotide within the consensus splice site. This variant is present in population databases (rs200789378, gnomAD 0.06%). This variant has not been reported in the literature in individuals affected with TSPEAR-related conditions. ClinVar contains an entry for this variant (Variation ID: 229372). Algorithms developed to predict the effect of sequence changes on RNA splicing suggest that this variant may disrupt the consensus splice site. In summary, the available evidence is currently insufficient to determine the role of this variant in disease. Therefore, it has been classified as a Variant of Uncertain Significance.

Laboratory for Molecular Medicine, Mass General Brigham Personalized Medicine
Classification: Uncertain significance. Last evaluated: 2017-08-03. Review status: criteria provided, single submitter. Criteria: LMM Criteria. Collection method: clinical testing. Allele origin: germline. Observed: 2 variant alleles.
Comment: The p.Glu445Glu variant in TSPEAR has now been identified by our laboratory in 2 individuals with hearing loss; however, a variant affecting the remaining copy of the gene was not identified in either individual. This variant has also been identified in 19/30782 South Asian chromosomes and 43/276356 total chromosomes b y the Genome Aggregation Database (gnomAD; dbS NP rs200789378). Although this variant has been seen in the general population, its frequency is not high enough to rule out a pathogenic role. This variant is located in the last three bases of the exon, which is part of the 5? splice regi on. Computational tools do not predict altered splicing. However, this informati on is not predictive enough to rule out pathogenicity. In summary, the clinical significance of the p.Glu445Glu variant is uncertain.